The following is an entry in ClinVar:

ClinVar aggregate classification (germline): Pathogenic (1 of 4 stars; one submission).

Conditions:
alpha Thalassemia. Also called: Alpha thalassemia spectrum. Identifiers: Orphanet 846, MedGen C0002312, MONDO:0011399, OMIM 604131.

Submission:

Eugenics and Genetics Department, Guangxi Zhuang Autonomous Region Reproductive Hospital
Classification: Pathogenic for alpha Thalassemia. Last evaluated: 2026-06-08. Review status: criteria provided, single submitter. Criteria: ACMG/ClinGen CNV Guidelines, 2019. Collection method: clinical testing. Allele origin: germline. Inheritance: Autosomal recessive inheritance. Affected: yes.
Comment: This 21.453 kb heterozygous deletion (chr16:164,004-185,457, GRCh38) completely removes HBM, HBA2, HBA1 and HBQ1 in cis and is classified as pathogenic per ACMG/ClinGen 2020 constitutional CNV standards (Riggs et al., Genet Med 2020;22:245-257). Evidence: PVS1_Strong (loss-of-function of HBA1 and HBA2 is an established mechanism of alpha-thalassemia, but heterozygous phenotypic severity is variable, hence PVS1_Strong rather than PVS1); PM2_Supporting (this exact breakpoint interval is absent from gnomAD-SV, DGV, ClinVar, and dbVar; search date October 2024); PP4 (patient's moderate microcytic hypochromic anemia is consistent with heterozygous alpha-thalassemia; genotype-phenotype correlation well established per Harteveld and Higgs, Orphanet J Rare Dis 2010;5:13; PMID 20507641). The deletion was identified by third-generation sequencing (PacBio SMRT, 100x mean coverage; Berry Genomics, Beijing; report 24MED04110) and confirmed by Gap-PCR (180 bp amplicon with custom primers), bidirectional Sanger sequencing, and MLPA (Berry Genomics CeXome probe set P140-C1, experiment ID 20250126G30, probe ratios ~0.5 across the alpha-globin gene cluster).

Literature cited by the submitters: PubMed 20507641.

GRCh38/hg38 16p13.3(chr16:164004-185457)x1

Genes: HBA1 (hemoglobin subunit alpha 1; plus strand), HBA2 (hemoglobin subunit alpha 2; plus strand), HBM (hemoglobin subunit mu; plus strand), HBQ1 (hemoglobin subunit theta 1; plus strand), LOC106804612 (hemoglobin subunit alpha 2 recombination region; plus strand) and 3 more. Cytogenetic location: 16p13.3.
Variant type: copy number loss.
Change: copy number 1 (one copy instead of two) of chr16:164,004-185,457 (21.5 kb, GRCh38 coordinates, 1-based), cytogenetic band 16p13.3.
Identifiers: ClinVar variation 4875557 (VCV004875557.1).